The following is an entry in ClinVar:

NM_007294.4(BRCA1):c.3965A>C (p.Lys1322Thr)

Genes: BRCA1 (BRCA1 DNA repair associated; minus strand), LOC126862571 (BRD4-independent group 4 enhancer GRCh37_chr17:41243136-41244335; plus strand). Cytogenetic location: 17q21.31.
Variant type: single nucleotide variant.
Coding change: c.3965A>C on transcript NM_007294.4 (MANE Select); coding-DNA position 3965, A replaced by C.
Protein change: p.Lys1322Thr; replaces lysine 1322 with threonine.
Molecular consequence: missense variant. On other transcripts: intron variant (135).
Genome position (GRCh38, 1-based): chr17:43,091,566, T>G on the plus strand (A>C on the coding strand, the complement: BRCA1 is on the minus strand). VCF-style: chr17-43091566-T-G. GRCh37 (hg19) VCF-style: chr17-41243583-T-G.
Other names: c.647-534A>C (NM_001408452.1, NM_001408457.1, NM_001408460.1 and 11 more transcripts); c.524-534A>C (NM_001408497.1, NM_001408496.1, NM_001408499.1 and 3 more transcripts); c.788-534A>C (NM_001407973.1, NM_001408403.1, NM_001407983.1 and 17 more transcripts); c.404-534A>C (NM_001408511.1); c.521-534A>C (NM_001408505.1, NM_001408504.1, NM_001408503.1); c.461-534A>C (NM_001408507.1, NM_001408506.1); c.545-534A>C (NM_001408495.1); c.662-534A>C (NM_001408448.1, NM_001408445.1, NM_001408432.1 and 6 more transcripts); and 41 more; short protein forms K1322T, K1275T, K1026T, K1195T, K1233T, K1255T, K1280T, K1295T.
Identifiers: ClinVar variation 185202 (VCV000185202.23), dbSNP rs80357042, ClinGen allele CA002538.
Genomic context (GRCh38, chr17:43,091,566, plus strand): 5'-GAAACCAATTCCTTGTCACTCAGACCAACTCCCTGGCTTTCAGACTGATGCCTCATTTGT[T>G]TGGAAGAACCAATCAAGAAAGGATCCTGGGTGTTTGTATTTGCAGTCAAGTCTTCCAATT-3'
Protein context (NP_009225.1, residues 1312-1332): TQDPFLIGSS[Lys1322Thr]QMRHQSESQG

ClinVar aggregate classification (germline): Conflicting classifications of pathogenicity. Review status: criteria provided, conflicting classifications (1 of 4 stars). 5 submissions from 5 submitters: Uncertain significance (4); Likely benign (1). Last evaluated 2024-10-15.

Conditions:
Hereditary cancer-predisposing syndrome. Also called: Hereditary neoplastic syndrome; Neoplastic Syndromes, Hereditary; Tumor predisposition; Hereditary Cancer Syndrome. Identifiers: Orphanet 140162, MedGen C0027672, MeSH D009386, MONDO:0015356.
Hereditary breast ovarian cancer syndrome. Also called: Hereditary breast and ovarian cancer syndrome (HBOC); Breast and ovarian cancer; Hereditary breast and/or ovarian cancer syndrome; BRCA1- and BRCA2-Associated Hereditary Breast and Ovarian Cancer; Hereditary breast and ovarian cancer syndrome; Hereditary breast and ovarian cancer. Identifiers: Orphanet 145, MedGen C0677776, MeSH D061325, MONDO:0003582. Disease mechanism: loss of function.

Allele frequency attached by ClinVar (database versions not stated): gnomAD 0.00001; TOPMed 0.00002.
gnomAD v4.1: 1 of 1,614,090 alleles (0.000062%); highest among the groups gnomAD compares: Non-Finnish European, 0.000085%; no homozygotes.

Submissions (5):

Labcorp Genetics (formerly Invitae), Labcorp
Classification: Uncertain significance for Hereditary breast ovarian cancer syndrome. Last evaluated: 2024-10-15. Review status: criteria provided, single submitter. Criteria: Invitae Variant Classification Sherloc (09022015). Collection method: clinical testing. Allele origin: germline.
Comment: This sequence change replaces lysine, which is basic and polar, with threonine, which is neutral and polar, at codon 1322 of the BRCA1 protein (p.Lys1322Thr). This variant is not present in population databases (gnomAD no frequency). This variant has not been reported in the literature in individuals affected with BRCA1-related conditions. ClinVar contains an entry for this variant (Variation ID: 185202). Invitae Evidence Modeling of protein sequence and biophysical properties (such as structural, functional, and spatial information, amino acid conservation, physicochemical variation, residue mobility, and thermodynamic stability) indicates that this missense variant is not expected to disrupt BRCA1 protein function with a negative predictive value of 80%. In summary, the available evidence is currently insufficient to determine the role of this variant in disease. Therefore, it has been classified as a Variant of Uncertain Significance.

Ambry Genetics
Classification: Uncertain significance for Hereditary cancer-predisposing syndrome. Last evaluated: 2024-01-17. Review status: criteria provided, single submitter. Criteria: Ambry Variant Classification Scheme 2023. Collection method: clinical testing. Allele origin: germline.
Comment: The p.K1322T variant (also known as c.3965A>C), located in coding exon 9 of the BRCA1 gene, results from an A to C substitution at nucleotide position 3965. The lysine at codon 1322 is replaced by threonine, an amino acid with similar properties. This amino acid position is well conserved in available vertebrate species. In addition, the in silico prediction for this alteration is inconclusive. Since supporting evidence is limited at this time, the clinical significance of this alteration remains unclear.

University of Washington Department of Laboratory Medicine, University of Washington
Classification: Likely benign for Hereditary cancer-predisposing syndrome. Last evaluated: 2023-03-23. Review status: criteria provided, single submitter. Criteria: Dines et al. (Genet Med. 2020). Collection method: curation. Allele origin: germline.
Comment: Missense variant in a coldspot region where missense variants are very unlikely to be pathogenic (PMID:31911673).

BRCA1 coldspot (exon 11 using historical exon numbering). Reclassification based on statistical prior probability

ARUP Laboratories, Molecular Genetics and Genomics, ARUP Laboratories
Classification: Uncertain significance. Last evaluated: 2018-02-07. Review status: criteria provided, single submitter. Criteria: ARUP Molecular Germline Variant Investigation Process. Collection method: clinical testing. Allele origin: germline.
Comment: The BRCA1 c.3965A>C; p.Lys1322Thr variant (rs80357042), to our knowledge, is not reported in the medical literature but is classified as uncertain in ClinVar (Variation ID: 185202). This variant is absent from general population databases (1000 Genomes Project, Exome Variant Server, Genome Aggregation Database), indicating it is not a common polymorphism. The lysine at codon 1322 is moderately conserved but computational algorithms (SIFT: Damaging, PolyPhen2: Benign) predict conflicting effects of this variant on the protein. Due to limited information, the clinical significance of the p.Lys1322Thr variants is uncertain at this time.

GeneDx
Classification: Uncertain significance. Last evaluated: 2016-04-29. Review status: criteria provided, single submitter. Criteria: GeneDx Variant Classification (06012015). Collection method: clinical testing. Allele origin: germline. Affected: yes.
Comment: This variant is denoted BRCA1 c.3965A>C at the cDNA level, p.Lys1322Thr (K1322T) at the protein level, and results in the change of a Lysine to a Threonine (AAA>ACA). Using alternate nomenclature, this variant would be defined as BRCA1 4084A>C. This variant has not, to our knowledge, been published in the literature as pathogenic or benign. BRCA1 Lys1322Thr was not observed in approximately 6,500 individuals of European and African American ancestry in the NHLBI Exome Sequencing Project, suggesting it is not a common benign variant in these populations. Since Lysine and Threonine differ in some properties, this is considered a semi-conservative amino acid substitution. BRCA1 Lys1322Thr occurs at a position that is not conserved and is located in the SCD domain as well as a region known to interact with multiple other proteins (Chen 1998, Narod 2004, Clark 2012). In silico analyses are inconsistent regarding the effect this variant may have on protein structure and function. Based on currently available evidence, it is unclear whether BRCA1 Lys1322Thr is a pathogenic or benign variant. We consider it to be a variant of uncertain significance.